The following is an entry in ClinVar:

NM_001366385.1(CARD14):c.2161G>A (p.Val721Met)

Genes: CARD14 (caspase recruitment domain family member 14; plus strand), SGSH (N-sulfoglucosamine sulfohydrolase; minus strand). Cytogenetic location: 17q25.3.
Variant type: single nucleotide variant.
Coding change: c.2161G>A on transcript NM_001366385.1 (MANE Select); coding-DNA position 2161, G replaced by A.
Protein change: p.Val721Met; replaces valine 721 with methionine.
Molecular consequence: missense variant. On other transcripts: non-coding transcript variant (1).
Genome position (GRCh38, 1-based): chr17:80,202,362, G>A. VCF-style: chr17-80202362-G-A. GRCh37 (hg19) VCF-style: chr17-78176161-G-A.
Other names: c.2161G>A, p.Val721Met (NM_001257970.1, NM_024110.4); short protein forms V721M.
Identifiers: ClinVar variation 1467024 (VCV001467024.6), dbSNP rs748083207, ClinGen allele CA8817194.

ClinVar aggregate classification (germline): Uncertain significance (1 of 4 stars; one submission).

Conditions:
Pityriasis rubra pilaris (PRP). Also called: Pityriasis rubra pilaris--familial type. Identifiers: Orphanet 2897, MedGen C0032027, MONDO:0100017, OMIM 173200, MONDO:0008251.
Psoriasis 2. Identifiers: MedGen C1864497, MONDO:0011269, OMIM 602723.

Allele frequency attached by ClinVar (database versions not stated): gnomAD 0.00001; ExAC 0.00002; TOPMed 0.00002.
gnomAD v4.1: 28 of 1,613,234 alleles (0.0017%); highest among the groups gnomAD compares: South Asian, 0.0066%; no homozygotes.

Submission:

Labcorp Genetics (formerly Invitae), Labcorp
Classification: Uncertain significance for Pityriasis rubra pilaris; Psoriasis 2. Last evaluated: 2025-11-03. Review status: criteria provided, single submitter. Criteria: Invitae Variant Classification Sherloc (09022015). Collection method: clinical testing. Allele origin: germline.
Comment: This sequence change replaces valine, which is neutral and non-polar, with methionine, which is neutral and non-polar, at codon 721 of the CARD14 protein (p.Val721Met). This variant is present in population databases (rs748083207, gnomAD 0.01%). This variant has not been reported in the literature in individuals affected with CARD14-related conditions. ClinVar contains an entry for this variant (Variation ID: 1467024). Invitae Evidence Modeling of protein sequence and biophysical properties (such as structural, functional, and spatial information, amino acid conservation, physicochemical variation, residue mobility, and thermodynamic stability) has been performed for this missense variant. However, the output from this modeling did not meet the statistical confidence thresholds required to predict the impact of this variant on CARD14 protein function. In summary, the available evidence is currently insufficient to determine the role of this variant in disease. Therefore, it has been classified as a Variant of Uncertain Significance.